The following is an entry in ClinVar:

ClinVar aggregate classification (germline): Uncertain significance. Review status: criteria provided, multiple submitters, no conflicts (2 of 4 stars). 2 submissions from 2 submitters: Uncertain significance (2). Last evaluated 2024-12-14.

Allele frequency attached by ClinVar (database versions not stated): gnomAD exomes 0.00001; gnomAD 0.00002; TOPMed 0.00002.
gnomAD v4.1: 19 of 1,613,824 alleles (0.0012%); highest among the groups gnomAD compares: Non-Finnish European, 0.0016%; no homozygotes.

Submissions (2):

Ambry Genetics
Classification: Uncertain significance. Last evaluated: 2024-12-14. Review status: criteria provided, single submitter. Criteria: Ambry Variant Classification Scheme 2023. Collection method: clinical testing. Allele origin: germline.

Labcorp Genetics (formerly Invitae), Labcorp
Classification: Uncertain significance. Last evaluated: 2023-09-26. Review status: criteria provided, single submitter. Criteria: Invitae Variant Classification Sherloc (09022015). Collection method: clinical testing. Allele origin: germline.
Comment: In summary, the available evidence is currently insufficient to determine the role of this variant in disease. Therefore, it has been classified as a Variant of Uncertain Significance. Algorithms developed to predict the effect of sequence changes on RNA splicing suggest that this variant may create or strengthen a splice site. Advanced modeling of protein sequence and biophysical properties (such as structural, functional, and spatial information, amino acid conservation, physicochemical variation, residue mobility, and thermodynamic stability) performed at Invitae indicates that this missense variant is not expected to disrupt ABRAXAS1 protein function. ClinVar contains an entry for this variant (Variation ID: 665295). This variant has not been reported in the literature in individuals affected with ABRAXAS1-related conditions. This variant is present in population databases (no rsID available, gnomAD 0.002%). This sequence change replaces valine, which is neutral and non-polar, with alanine, which is neutral and non-polar, at codon 167 of the ABRAXAS1 protein (p.Val167Ala).

NM_139076.3(ABRAXAS1):c.500T>C (p.Val167Ala)

Gene: ABRAXAS1 (abraxas 1, BRCA1 A complex subunit; minus strand). Cytogenetic location: 4q21.23.
Variant type: single nucleotide variant.
Coding change: c.500T>C on transcript NM_139076.3 (MANE Select); coding-DNA position 500, T replaced by C.
Protein change: p.Val167Ala; replaces valine 167 with alanine.
Molecular consequence: missense variant.
Genome position (GRCh38, 1-based): chr4:83,469,128, A>G on the plus strand (T>C on the coding strand, the complement: ABRAXAS1 is on the minus strand). VCF-style: chr4-83469128-A-G. GRCh37 (hg19) VCF-style: chr4-84390281-A-G.
Other names: c.173T>C, p.Val58Ala (NM_001345962.2); short protein forms V58A, V167A.
Identifiers: ClinVar variation 665295 (VCV000665295.10), dbSNP rs1166739614, ClinGen allele CA357259598.